The following is an entry in ClinVar:

ClinVar aggregate classification (germline): Uncertain significance (1 of 4 stars; one submission).

gnomAD v4.1: 3 of 1,606,030 alleles (0.00019%); highest among the groups gnomAD compares: Non-Finnish European, 0.00026%; no homozygotes.

Submission:

Labcorp Genetics (formerly Invitae), Labcorp
Classification: Uncertain significance. Last evaluated: 2025-05-21. Review status: criteria provided, single submitter. Criteria: Invitae Variant Classification Sherloc (09022015). Collection method: clinical testing. Allele origin: germline.
Comment: This sequence change replaces glycine, which is neutral and non-polar, with valine, which is neutral and non-polar, at codon 1802 of the RAI1 protein (p.Gly1802Val). This variant is not present in population databases (gnomAD no frequency). This variant has not been reported in the literature in individuals affected with RAI1-related conditions. Invitae Evidence Modeling of protein sequence and biophysical properties (such as structural, functional, and spatial information, amino acid conservation, physicochemical variation, residue mobility, and thermodynamic stability) indicates that this missense variant is not expected to disrupt RAI1 protein function with a negative predictive value of 80%. In summary, the available evidence is currently insufficient to determine the role of this variant in disease. Therefore, it has been classified as a Variant of Uncertain Significance.

NM_030665.4(RAI1):c.5405G>T (p.Gly1802Val)

Gene: RAI1 (retinoic acid induced 1; plus strand). Cytogenetic location: 17p11.2.
Variant type: single nucleotide variant.
Coding change: c.5405G>T on transcript NM_030665.4 (MANE Select); coding-DNA position 5405, G replaced by T.
Protein change: p.Gly1802Val; replaces glycine 1802 with valine.
Molecular consequence: missense variant.
Genome position (GRCh38, 1-based): chr17:17,798,353, G>T. VCF-style: chr17-17798353-G-T. GRCh37 (hg19) VCF-style: chr17-17701667-G-T.
Other names: short protein forms G1802V.
Identifiers: ClinVar variation 4748759 (VCV004748759.1).
Genomic context (GRCh38, chr17:17,798,353, plus strand): 5'-GCTGCTACTGCTGTGATGGCCGGGAGGATGGGGGCGAGGAGGCAGCCCCAGCCGACAAGG[G>T]TCGCAAACATGAGTGCAGCAAGGAGGCTCCGGCAGAGCCCGGCGGGGAGGCCCAGGAGCA-3'
Protein context (NP_109590.3, residues 1792-1812): GGEEAAPADK[Gly1802Val]RKHECSKEAP